The following is an entry in ClinVar:

NM_000062.3(SERPING1):c.1431C>G (p.Phe477Leu)

Gene: SERPING1 (serpin family G member 1; plus strand). Cytogenetic location: 11q12.1.
Variant type: single nucleotide variant.
Coding change: c.1431C>G on transcript NM_000062.3 (MANE Select); coding-DNA position 1431, C replaced by G.
Protein change: p.Phe477Leu; replaces phenylalanine 477 with leucine.
Molecular consequence: missense variant.
Genome position (GRCh38, 1-based): chr11:57,614,509, C>G. VCF-style: chr11-57614509-C-G. GRCh37 (hg19) VCF-style: chr11-57381982-C-G.
Other names: c.1431C>G, p.Phe477Leu (NM_001032295.2); short protein forms F477L.
Identifiers: ClinVar variation 3384138 (VCV003384138.1).

ClinVar aggregate classification (germline): Likely pathogenic (1 of 4 stars; one submission).

Conditions:
Angioedema. Identifiers: MedGen C0002994, MeSH D000799, MONDO:0010481, HP:0100665.

Submission:

Dubai Health Genomic Medicine Center, Dubai Health
Classification: Likely pathogenic for Angioedema. Last evaluated: 2024-10-04. Review status: criteria provided, single submitter. Criteria: ACMG Guidelines, 2015. Collection method: research. Allele origin: germline. Affected: yes.
Comment: PS1,PM1,PM2,PP3